The following is an entry in ClinVar:

NM_182914.3(SYNE2):c.18137C>A (p.Ser6046Tyr)

Gene: SYNE2 (spectrin repeat containing nuclear envelope protein 2; plus strand). Cytogenetic location: 14q23.2.
Variant type: single nucleotide variant.
Coding change: c.18137C>A on transcript NM_182914.3 (MANE Select); coding-DNA position 18137, C replaced by A.
Protein change: p.Ser6046Tyr; replaces serine 6046 with tyrosine.
Molecular consequence: missense variant.
Genome position (GRCh38, 1-based): chr14:64,202,899, C>A. VCF-style: chr14-64202899-C-A. GRCh37 (hg19) VCF-style: chr14-64669617-C-A.
Other names: c.18137C>A, p.Ser6046Tyr (NM_015180.6); short protein forms S6046Y.
Identifiers: ClinVar variation 2762588 (VCV002762588.3), dbSNP rs2098581989, ClinGen allele CA389945263.

ClinVar aggregate classification (germline): Uncertain significance (1 of 4 stars; one submission).

Conditions:
Emery-Dreifuss muscular dystrophy 5, autosomal dominant (EDMD5). Also called: EMERY-DREIFUSS MUSCULAR DYSTROPHY 5. Identifiers: Orphanet 261, MedGen C2751805, MONDO:0013072, OMIM 612999.

Submission:

Labcorp Genetics (formerly Invitae), Labcorp
Classification: Uncertain significance for Emery-Dreifuss muscular dystrophy 5, autosomal dominant. Last evaluated: 2024-02-17. Review status: criteria provided, single submitter. Criteria: Invitae Variant Classification Sherloc (09022015). Collection method: clinical testing. Allele origin: germline.
Comment: This sequence change replaces serine, which is neutral and polar, with tyrosine, which is neutral and polar, at codon 6046 of the SYNE2 protein (p.Ser6046Tyr). This variant is not present in population databases (gnomAD no frequency). This variant has not been reported in the literature in individuals affected with SYNE2-related conditions. An algorithm developed to predict the effect of missense changes on protein structure and function (PolyPhen-2) suggests that this variant is likely to be disruptive. In summary, the available evidence is currently insufficient to determine the role of this variant in disease. Therefore, it has been classified as a Variant of Uncertain Significance.